The following is an entry in ClinVar:

ClinVar aggregate classification (germline): Benign (1 of 4 stars; one submission).

Conditions:
Autosomal recessive spinocerebellar ataxia 10. Identifiers: Orphanet 284289, MedGen C3150998, MONDO:0013392, OMIM 613728.

Allele frequency attached by ClinVar (database versions not stated): gnomAD 0.05155 and 0.05474; TOPMed 0.05887; 1000 Genomes Project 0.05970; 1000 Genomes Project 30x 0.06277.
gnomAD v4.1: 9,659 of 313,322 alleles (3.1%); highest among the groups gnomAD compares: African/African-American, 16%; 618 homozygotes.

Submission:

Illumina Laboratory Services, Illumina
Classification: Benign for Autosomal recessive spinocerebellar ataxia 10. Last evaluated: 2018-01-13. Review status: criteria provided, single submitter. Criteria: ICSL Variant Classification Criteria 13 December 2019. Collection method: clinical testing. Allele origin: germline.
Comment: This variant was observed in the ICSL laboratory as part of a predisposition screen in an ostensibly healthy population. It had not been previously curated by ICSL or reported in the Human Gene Mutation Database (HGMD: prior to June 1st, 2018), and was therefore a candidate for classification through an automated scoring system. Utilizing variant allele frequency, disease prevalence and penetrance estimates, and inheritance mode, an automated score was calculated to assess if this variant is too frequent to cause the disease. Based on the score and internal cut-off values, a variant classified as benign is not then subjected to further curation. The score for this variant resulted in a classification of benign for this disease.

NM_018075.5(ANO10):c.*432G>T

Gene: ANO10 (anoctamin 10; minus strand). Cytogenetic location: 3p22.1.
Variant type: single nucleotide variant.
Coding change: c.*432G>T on transcript NM_018075.5 (MANE Select); 432 bases downstream of the stop codon, G replaced by T.
Molecular consequence: 3 prime UTR variant.
Genome position (GRCh38, 1-based): chr3:43,366,474, C>A on the plus strand (G>T on the coding strand, the complement: ANO10 is on the minus strand). VCF-style: chr3-43366474-C-A. GRCh37 (hg19) VCF-style: chr3-43407966-C-A.
Other names: c.*534G>T (NM_001204831.3); c.*432G>T (NM_001204832.3, NM_001204833.3, NM_001204834.3 and 7 more transcripts).
Identifiers: ClinVar variation 345166 (VCV000345166.5), dbSNP rs17075612, ClinGen allele CA10618459.